The following is an entry in ClinVar:

NM_001013838.3(CARMIL2):c.4259G>A (p.Ser1420Asn)

Gene: CARMIL2 (capping protein regulator and myosin 1 linker 2; plus strand). Cytogenetic location: 16q22.1.
Variant type: single nucleotide variant.
Coding change: c.4259G>A on transcript NM_001013838.3 (MANE Select); coding-DNA position 4259, G replaced by A.
Protein change: p.Ser1420Asn; replaces serine 1420 with asparagine.
Molecular consequence: missense variant.
Genome position (GRCh38, 1-based): chr16:67,657,469, G>A. VCF-style: chr16-67657469-G-A. GRCh37 (hg19) VCF-style: chr16-67691372-G-A.
Other names: c.4070G>A, p.Ser1357Asn (NM_001317026.3); short protein forms S1357N, S1420N.
Identifiers: ClinVar variation 2197613 (VCV002197613.5), dbSNP rs576040264, ClinGen allele CA8114316.

ClinVar aggregate classification (germline): Conflicting classifications of pathogenicity. Review status: criteria provided, conflicting classifications (1 of 4 stars). 2 submissions from 2 submitters: Uncertain significance (1); Likely benign (1). Last evaluated 2026-01-08.

Allele frequency attached by ClinVar (database versions not stated): gnomAD exomes 0.00001; ExAC 0.00002; gnomAD 0.00003; TOPMed 0.00003; 1000 Genomes Project 0.00020; 1000 Genomes Project 30x 0.00031.
gnomAD v4.1: 24 of 1,611,638 alleles (0.0015%); highest among the groups gnomAD compares: Middle Eastern, 0.033%; 1 homozygote.

Submissions (2):

Labcorp Genetics (formerly Invitae), Labcorp
Classification: Uncertain significance. Last evaluated: 2026-01-08. Review status: criteria provided, single submitter. Criteria: Invitae Variant Classification Sherloc (09022015). Collection method: clinical testing. Allele origin: germline.
Comment: This sequence change replaces serine, which is neutral and polar, with asparagine, which is neutral and polar, at codon 1420 of the CARMIL2 protein (p.Ser1420Asn). This variant is present in population databases (rs576040264, gnomAD 0.004%). This variant has not been reported in the literature in individuals affected with CARMIL2-related conditions. ClinVar contains an entry for this variant (Variation ID: 2197613). An algorithm developed to predict the effect of missense changes on protein structure and function outputs the following: PolyPhen-2: "Benign". The asparagine amino acid residue is found in multiple mammalian species, which suggests that this missense change does not adversely affect protein function. In summary, the available evidence is currently insufficient to determine the role of this variant in disease. Therefore, it has been classified as a Variant of Uncertain Significance.

Blueprint Genetics
Classification: Likely benign. Last evaluated: 2022-03-18. Review status: criteria provided, single submitter. Criteria: ACMG Guidelines, 2015. Collection method: clinical testing. Allele origin: germline.